The following is an entry in ClinVar:

NM_025257.3(SLC44A4):c.65C>G (p.Ser22Cys)

Gene: SLC44A4 (solute carrier family 44 member 4; minus strand). Cytogenetic location: 6p21.33.
Variant type: single nucleotide variant.
Coding change: c.65C>G on transcript NM_025257.3 (MANE Select); coding-DNA position 65, C replaced by G.
Protein change: p.Ser22Cys; replaces serine 22 with cysteine.
Molecular consequence: missense variant. On other transcripts: 5 prime UTR variant (1).
Genome position (GRCh38, 1-based): chr6:31,877,058, G>C on the plus strand (C>G on the coding strand, the complement: SLC44A4 is on the minus strand). VCF-style: chr6-31877058-G-C. GRCh37 (hg19) VCF-style: chr6-31844835-G-C.
Other names: c.65C>G, p.Ser22Cys (NM_001178044.2); c.-164C>G (NM_001178045.2); short protein forms S22C.
Identifiers: ClinVar variation 4801193 (VCV004801193.1).

ClinVar aggregate classification (germline): Uncertain significance (1 of 4 stars; one submission).

gnomAD v4.1: 9 of 1,610,234 alleles (0.00056%); highest among the groups gnomAD compares: Non-Finnish European, 0.00076%; no homozygotes.

Submission:

Labcorp Genetics (formerly Invitae), Labcorp
Classification: Uncertain significance. Last evaluated: 2025-10-23. Review status: criteria provided, single submitter. Criteria: Invitae Variant Classification Sherloc (09022015). Collection method: clinical testing. Allele origin: germline.
Comment: This sequence change replaces serine, which is neutral and polar, with cysteine, which is neutral and slightly polar, at codon 22 of the SLC44A4 protein (p.Ser22Cys). This variant is present in population databases (no rsID available, gnomAD 0.01%). This variant has not been reported in the literature in individuals affected with SLC44A4-related conditions. Invitae Evidence Modeling of protein sequence and biophysical properties (such as structural, functional, and spatial information, amino acid conservation, physicochemical variation, residue mobility, and thermodynamic stability) indicates that this missense variant is not expected to disrupt SLC44A4 protein function with a negative predictive value of 80%. In summary, the available evidence is currently insufficient to determine the role of this variant in disease. Therefore, it has been classified as a Variant of Uncertain Significance.